The following is an entry in ClinVar:

NM_001103.4(ACTN2):c.1606A>G (p.Met536Val)

Gene: ACTN2 (actinin alpha 2; plus strand). Cytogenetic location: 1q43.
Variant type: single nucleotide variant.
Coding change: c.1606A>G on transcript NM_001103.4 (MANE Select); coding-DNA position 1606, A replaced by G.
Protein change: p.Met536Val; replaces methionine 536 with valine.
Molecular consequence: missense variant. On other transcripts: non-coding transcript variant (1).
Genome position (GRCh38, 1-based): chr1:236,749,214, A>G. VCF-style: chr1-236749214-A-G. GRCh37 (hg19) VCF-style: chr1-236912514-A-G.
Other names: c.1606A>G, p.Met536Val (NM_001278343.2); c.982A>G, p.Met328Val (NM_001278344.2); c.856A>G, p.Met286Val (NM_001412150.1); short protein forms M328V, M536V, M286V.
Identifiers: ClinVar variation 2932587 (VCV002932587.4), dbSNP rs755708114, ClinGen allele CA1473202.

ClinVar aggregate classification (germline): Uncertain significance. Review status: criteria provided, multiple submitters, no conflicts (2 of 4 stars). 2 submissions from 2 submitters: Uncertain significance (2). Last evaluated 2026-04-19.

Conditions:
Dilated cardiomyopathy 1AA (CMD1AA). Also called: Cardiomyopathy, dilated, 1AA, with or without LVNC; CARDIOMYOPATHY, DILATED, 1AA, WITH OR WITHOUT LEFT VENTRICULAR NONCOMPACTION; CARDIOMYOPATHY, FAMILIAL HYPERTROPHIC, 23, WITH OR WITHOUT LEFT VENTRICULAR NONCOMPACTION. Identifiers: Orphanet 154, MedGen C2677338, MONDO:0012808, OMIM 612158.
Primary familial hypertrophic cardiomyopathy (HCM). Identifiers: Orphanet 99739, MedGen C0949658, MeSH D024741, MONDO:0024573. Inheritance: Various modes of inheritance.
ACTN2-related cardiac and skeletal myopathy. Identifiers: MedGen CN379592, MONDO:0700349.

Allele frequency attached by ClinVar (database versions not stated): gnomAD 0.00002; gnomAD exomes 0.00001; TOPMed 0.00001; ExAC 0.00002.
gnomAD v4.1: 14 of 1,614,080 alleles (0.00087%); highest among the groups gnomAD compares: Non-Finnish European, 0.001%; no homozygotes.

Submissions (2):

Victorian Clinical Genetics Services, Murdoch Childrens Research Institute
Classification: Uncertain significance for ACTN2-related cardiac and skeletal myopathy. Last evaluated: 2026-04-19. Review status: criteria provided, single submitter. Criteria: ACMG Guidelines, 2015. Collection method: clinical testing. Allele origin: germline. Affected: yes.
Comment: This variant is classified as VUS-3B. Evidence in support of pathogenic classification: Variant is present in gnomAD <0.001 for a dominant condition (v4: 14 heterozygote(s), 0 homozygote(s)). Evidence in support of benign classification: Missense variant predicted to be tolerated by in silico tool(s) or not conserved in placental mammals with a minor amino acid change. Additional information: Variant is predicted to result in a missense amino acid change from Met to Val; This variant is heterozygous; This gene is associated with autosomal dominant disease; Alternative amino acid change(s) at the same position are present in gnomAD (highest allele count: v4: 1 heterozygote(s), 0 homozygote(s)); Previous evidence of pathogenicity for this variant is inconclusive. This variant has been classified as a VUS by a clinical laboratory in ClinVar. It was also reported in an individual with noncompaction cardiomyopathy, who had additional variants of uncertain significance in the FHL2 and NEXN genes (PMID: 30847666); No published evidence of segregation with disease has been identified for this variant; No published functional evidence has been identified for this variant; Other missense variant(s) comparable to the one identified in this case have inconclusive previous evidence for pathogenicity. p.(Met536Leu) and p.(Met536Thr) have been reported once each as variants of uncertain significance by a clinical laboratory in ClinVar; Variant is located in the annotated spectrin repeat domain (DECIPHER); Loss of function is a known mechanism of disease in this gene and is associated with ACTN2-related cardiac and skeletal myopathy (MONDO:0700349) (OMIM, ClinGen). Loss of function has been demonstrated as a disease mechanism associated with missense variants, while dominant negative has also been suggested and associated with an in-frame deletion (PMID: 34802252). Additionally, loss of function is a likely mechanism of disease for null variants; Variants in this gene are known to have variable expressivity (PMID: 36116040); Inheritance information for this variant is not currently available in this individual.

Labcorp Genetics (formerly Invitae), Labcorp
Classification: Uncertain significance for Primary familial hypertrophic cardiomyopathy; Dilated cardiomyopathy 1AA. Last evaluated: 2026-01-31. Review status: criteria provided, single submitter. Criteria: Invitae Variant Classification Sherloc (09022015). Collection method: clinical testing. Allele origin: germline.
Comment: This sequence change replaces methionine, which is neutral and non-polar, with valine, which is neutral and non-polar, at codon 536 of the ACTN2 protein (p.Met536Val). This variant is present in population databases (rs755708114, gnomAD 0.003%). This variant has not been reported in the literature in individuals affected with ACTN2-related conditions. ClinVar contains an entry for this variant (Variation ID: 2932587). Invitae Evidence Modeling of protein sequence and biophysical properties (such as structural, functional, and spatial information, amino acid conservation, physicochemical variation, residue mobility, and thermodynamic stability) indicates that this missense variant is not expected to disrupt ACTN2 protein function with a negative predictive value of 80%. In summary, the available evidence is currently insufficient to determine the role of this variant in disease. Therefore, it has been classified as a Variant of Uncertain Significance.

Literature cited by the submitters: PubMed 36116040 (cited by Victorian Clinical Genetics Services, Murdoch Childrens Research Institute); PubMed 30847666 (cited by Victorian Clinical Genetics Services, Murdoch Childrens Research Institute); PubMed 34802252 (cited by Victorian Clinical Genetics Services, Murdoch Childrens Research Institute).